The following is an entry in ClinVar:

ClinVar aggregate classification (germline): Likely benign (1 of 4 stars; one submission).

Conditions:
Familial cancer of breast. Also called: Hereditary breast cancer; BREAST CANCER, FAMILIAL; hereditary breast carcinoma. Identifiers: Orphanet 227535, MedGen C0346153, MONDO:0016419, OMIM 114480. Disease mechanism: loss of function.

gnomAD v4.1: 1 of 1,594,192 alleles (0.000063%); no homozygotes.

Submission:

Myriad Genetics, Inc.
Classification: Likely benign for Familial cancer of breast. Last evaluated: 2024-10-04. Review status: criteria provided, single submitter. Criteria: Myriad Autosomal Dominant, Autosomal Recessive and X-Linked Classification Criteria (2023). Collection method: clinical testing. Allele origin: unknown.
Comment: This variant is considered likely benign. This variant is intronic and is not expected to impact mRNA splicing.

NM_007194.4(CHEK2):c.1096-19C>T

Gene: CHEK2 (checkpoint kinase 2; minus strand). Cytogenetic location: 22q12.1.
Variant type: single nucleotide variant.
Coding change: c.1096-19C>T on transcript NM_007194.4 (MANE Select); 19 bases into the intron before coding-DNA position 1096, C replaced by T.
Molecular consequence: intron variant.
Genome position (GRCh38, 1-based): chr22:28,695,892, G>A on the plus strand (C>T on the coding strand, the complement: CHEK2 is on the minus strand). VCF-style: chr22-28695892-G-A. GRCh37 (hg19) VCF-style: chr22-29091880-G-A.
Other names: c.433-19C>T (NM_001437942.1, NM_001257387.3); c.895-19C>T (NM_001349956.3); c.1009-19C>T (NM_145862.3); c.1102-19C>T (NM_001438295.1); c.1189-19C>T (NM_001438293.1); c.1138-19C>T (NM_001438294.1); c.1225-19C>T (NM_001005735.3).
Identifiers: ClinVar variation 3773617 (VCV003773617.1).
Genomic context (GRCh38, chr22:28,695,892, plus strand): 5'-AGAGGTCTCTCCCAAAATCTTGGAGTGCCCAAAATCAGTAATCTAAAATTCAGTACAAAA[G>A]GGAATAATGTTGAACTTGCCATAAAATAAAAAGATTAACATAGTCTGCCAGTCCAAGAAG-3'